The following is an entry in ClinVar:

NM_000422.3(KRT17):c.803G>T (p.Arg268Leu)

Gene: KRT17 (keratin 17; minus strand). Cytogenetic location: 17q21.2.
Variant type: single nucleotide variant.
Coding change: c.803G>T on transcript NM_000422.3 (MANE Select); coding-DNA position 803, G replaced by T.
Protein change: p.Arg268Leu; replaces arginine 268 with leucine.
Molecular consequence: missense variant.
Genome position (GRCh38, 1-based): chr17:41,621,624, C>A on the plus strand (G>T on the coding strand, the complement: KRT17 is on the minus strand). VCF-style: chr17-41621624-C-A. GRCh37 (hg19) VCF-style: chr17-39777876-C-A.
Other names: short protein forms R268L.
Identifiers: ClinVar variation 2960881 (VCV002960881.3), dbSNP rs753353264, ClinGen allele CA8563604.

ClinVar aggregate classification (germline): Uncertain significance (1 of 4 stars; one submission).

Allele frequency attached by ClinVar (database versions not stated): gnomAD 0.00001.
gnomAD v4.1: 10 of 1,612,024 alleles (0.00062%); highest among the groups gnomAD compares: South Asian, 0.0077%; no homozygotes.

Submission:

Labcorp Genetics (formerly Invitae), Labcorp
Classification: Uncertain significance. Last evaluated: 2024-05-02. Review status: criteria provided, single submitter. Criteria: Invitae Variant Classification Sherloc (09022015). Collection method: clinical testing. Allele origin: germline.
Comment: This sequence change replaces arginine, which is basic and polar, with leucine, which is neutral and non-polar, at codon 268 of the KRT17 protein (p.Arg268Leu). This variant is present in population databases (rs753353264, gnomAD 0.02%). This variant has not been reported in the literature in individuals affected with KRT17-related conditions. This missense change has been observed in at least one individual who was not affected with KRT17-related conditions (Invitae). Advanced modeling of protein sequence and biophysical properties (such as structural, functional, and spatial information, amino acid conservation, physicochemical variation, residue mobility, and thermodynamic stability) has been performed at Invitae for this missense variant, however the output from this modeling did not meet the statistical confidence thresholds required to predict the impact of this variant on KRT17 protein function. In summary, the available evidence is currently insufficient to determine the role of this variant in disease. Therefore, it has been classified as a Variant of Uncertain Significance.